The following is an entry in ClinVar:

NM_001127511.3(APC):c.165+19A>G

Gene: APC (APC regulator of Wnt signaling pathway; plus strand). Cytogenetic location: 5q22.2.
Variant type: single nucleotide variant.
Coding change: c.165+19A>G on transcript NM_001127511.3; 19 bases into the intron after coding-DNA position 165, A replaced by G.
Molecular consequence: intron variant.
Genome position (GRCh38, 1-based): chr5:112,707,901, A>G. VCF-style: chr5-112707901-A-G. GRCh37 (hg19) VCF-style: chr5-112043598-A-G.
Other names: c.-1054+19A>G (NM_001407470.1, NM_001407472.1); c.-19+19A>G (NM_001407447.1, NM_001354895.2, NM_001407456.1 and 3 more transcripts); c.165+19A>G (NM_001407446.1, NM_001354897.2, NM_001354902.2); c.-19+252A>G (NM_001407448.1, NM_001407450.1, NM_001407457.1 and 1 more transcripts); c.-43+252A>G (NM_001407453.1).
Identifiers: ClinVar variation 469785 (VCV000469785.9), dbSNP rs1487833679, ClinGen allele CA561890344.

ClinVar aggregate classification (germline): Uncertain significance (1 of 4 stars; one submission).

Conditions:
Familial adenomatous polyposis 1 (FAP1). Also called: FAMILIAL ADENOMATOUS POLYPOSIS 1, ATTENUATED; POLYPOSIS, ADENOMATOUS INTESTINAL. Identifiers: MedGen C2713442, MONDO:0021056, OMIM 175100. Disease mechanism: loss of function.

Allele frequency attached by ClinVar (database versions not stated): gnomAD 0.00001; 1000 Genomes Project 30x 0.00016; gnomAD exomes below 0.00001 and 0.00001.
gnomAD v4.1: 5 of 1,356,756 alleles (0.00037%); highest among the groups gnomAD compares: South Asian, 0.0062%; no homozygotes.

Submission:

Labcorp Genetics (formerly Invitae), Labcorp
Classification: Uncertain significance for Familial adenomatous polyposis 1. Last evaluated: 2023-05-10. Review status: criteria provided, single submitter. Criteria: Invitae Variant Classification Sherloc (09022015). Collection method: clinical testing. Allele origin: germline.
Comment: In summary, the available evidence is currently insufficient to determine the role of this variant in disease. Therefore, it has been classified as a Variant of Uncertain Significance. Experimental studies and prediction algorithms are not available or were not evaluated, and the functional significance of this variant is currently unknown. ClinVar contains an entry for this variant (Variation ID: 469785). This variant has not been reported in the literature in individuals affected with APC-related conditions. This variant is present in population databases (no rsID available, gnomAD 0.005%). This variant occurs in a non-coding region of the APC gene. It does not change the encoded amino acid sequence of the APC protein.